The following is an entry in ClinVar:

NM_003872.3(NRP2):c.990G>C (p.Gln330His)

Gene: NRP2 (neuropilin 2; plus strand). Cytogenetic location: 2q33.3.
Variant type: single nucleotide variant.
Coding change: c.990G>C on transcript NM_003872.3 (MANE Select); coding-DNA position 990, G replaced by C.
Protein change: p.Gln330His; replaces glutamine 330 with histidine.
Molecular consequence: missense variant.
Genome position (GRCh38, 1-based): chr2:205,726,082, G>C. VCF-style: chr2-205726082-G-C. GRCh37 (hg19) VCF-style: chr2-206590806-G-C.
Other names: c.990G>C, p.Gln330His (NM_018534.4, NM_201264.2, NM_201266.2 and 2 more transcripts); short protein forms Q330H.
Identifiers: ClinVar variation 3355485 (VCV003355485.1).

ClinVar aggregate classification (germline): Uncertain significance (0 of 4 stars; one submission).

Conditions:
NRP2-related disorder. Also called: NRP2-related condition.

gnomAD v4.1: 1 of 1,614,038 alleles (0.000062%); highest among the groups gnomAD compares: African/African-American, 0.0013%; no homozygotes.

Submission:

PreventionGenetics, part of Exact Sciences
Classification: Uncertain significance for NRP2-related condition. Last evaluated: 2024-08-21. Review status: no assertion criteria provided. Collection method: clinical testing. Allele origin: germline.
Comment: The NRP2 c.990G>C variant is predicted to result in the amino acid substitution p.Gln330His. This variant occurs at the terminal nucleotide position of exon 6 and is predicted to disrupt splicing at the consensus splice site (Alamut Visual Plus v.1.6.1). However, these prediction programs are not equivalent to functional evidence. To our knowledge, this variant has not been reported in the literature. This variant is reported in 0.12% (1/848) of alleles in individuals of Latino descent in gnomAD, but is absent in other subpopulations in gnomAD. At this time, the clinical significance of this variant is uncertain due to the absence of conclusive functional and genetic evidence.